The following is an entry in ClinVar:

NM_004304.5(ALK):c.3431C>T (p.Pro1144Leu)

Gene: ALK (ALK receptor tyrosine kinase; minus strand). Cytogenetic location: 2p23.2.
Variant type: single nucleotide variant.
Coding change: c.3431C>T on transcript NM_004304.5 (MANE Select); coding-DNA position 3431, C replaced by T.
Protein change: p.Pro1144Leu; replaces proline 1144 with leucine.
Molecular consequence: missense variant.
Genome position (GRCh38, 1-based): chr2:29,222,536, G>A on the plus strand (C>T on the coding strand, the complement: ALK is on the minus strand). VCF-style: chr2-29222536-G-A. GRCh37 (hg19) VCF-style: chr2-29445402-G-A.
Other names: c.227C>T, p.Pro76Leu (NM_001353765.2); short protein forms P1144L, P76L.
Identifiers: ClinVar variation 1731382 (VCV001731382.4), dbSNP rs1669833250, ClinGen allele CA346463665.

ClinVar aggregate classification (germline): Uncertain significance. Review status: criteria provided, multiple submitters, no conflicts (2 of 4 stars). 2 submissions from 2 submitters: Uncertain significance (2). Last evaluated 2025-09-30.

Conditions:
Neuroblastoma, susceptibility to, 3. Also called: ALK-Related Neuroblastic Tumor Susceptibility. Identifiers: Orphanet 635, MedGen C2751681, MONDO:0013083, OMIM 613014.
Hereditary cancer-predisposing syndrome. Also called: Neoplastic Syndromes, Hereditary; Tumor predisposition; Hereditary Cancer Syndrome; Hereditary neoplastic syndrome. Identifiers: Orphanet 140162, MedGen C0027672, MeSH D009386, MONDO:0015356.

Allele frequency attached by ClinVar (database versions not stated): TOPMed below 0.00001.

Submissions (2):

Ambry Genetics
Classification: Uncertain significance for Hereditary cancer-predisposing syndrome. Last evaluated: 2025-09-30. Review status: criteria provided, single submitter. Criteria: Ambry Variant Classification Scheme 2023. Collection method: clinical testing. Allele origin: germline.
Comment: The p.P1144L variant (also known as c.3431C>T), located in coding exon 21 of the ALK gene, results from a C to T substitution at nucleotide position 3431. The proline at codon 1144 is replaced by leucine, an amino acid with similar properties. This amino acid position is highly conserved in available vertebrate species. In addition, the in silico prediction for this alteration is inconclusive. Based on the available evidence, the clinical significance of this variant remains unclear.

Labcorp Genetics (formerly Invitae), Labcorp
Classification: Uncertain significance for Neuroblastoma, susceptibility to, 3. Last evaluated: 2025-06-16. Review status: criteria provided, single submitter. Criteria: Invitae Variant Classification Sherloc (09022015). Collection method: clinical testing. Allele origin: germline.
Comment: This sequence change replaces proline, which is neutral and non-polar, with leucine, which is neutral and non-polar, at codon 1144 of the ALK protein (p.Pro1144Leu). This variant is not present in population databases (gnomAD no frequency). This variant has not been reported in the literature in individuals affected with ALK-related conditions. ClinVar contains an entry for this variant (Variation ID: 1731382). An algorithm developed to predict the effect of missense changes on protein structure and function (PolyPhen-2) suggests that this variant is likely to be disruptive. In summary, the available evidence is currently insufficient to determine the role of this variant in disease. Therefore, it has been classified as a Variant of Uncertain Significance.